The following is an entry in ClinVar:

NM_024675.4(PALB2):c.2131G>A (p.Val711Ile)

Gene: PALB2 (partner and localizer of BRCA2; minus strand). Cytogenetic location: 16p12.2.
Variant type: single nucleotide variant.
Coding change: c.2131G>A on transcript NM_024675.4 (MANE Select); coding-DNA position 2131, G replaced by A.
Protein change: p.Val711Ile; replaces valine 711 with isoleucine.
Molecular consequence: missense variant.
Genome position (GRCh38, 1-based): chr16:23,630,023, C>T on the plus strand (G>A on the coding strand, the complement: PALB2 is on the minus strand). VCF-style: chr16-23630023-C-T. GRCh37 (hg19) VCF-style: chr16-23641344-C-T.
Other names: short protein forms V711I.
Identifiers: ClinVar variation 460929 (VCV000460929.16), dbSNP rs1555460478, ClinGen allele CA395125736.

ClinVar aggregate classification (germline): Uncertain significance. Review status: criteria provided, multiple submitters, no conflicts (2 of 4 stars). 2 submissions from 2 submitters: Uncertain significance (2). Last evaluated 2024-03-18.

Conditions:
Hereditary cancer-predisposing syndrome. Also called: Neoplastic Syndromes, Hereditary; Hereditary Cancer Syndrome; Hereditary neoplastic syndrome; Tumor predisposition. Identifiers: Orphanet 140162, MedGen C0027672, MeSH D009386, MONDO:0015356.
Familial cancer of breast. Also called: BREAST CANCER, FAMILIAL; Hereditary breast cancer; hereditary breast carcinoma. Identifiers: Orphanet 227535, MedGen C0346153, MONDO:0016419, OMIM 114480. Disease mechanism: loss of function.

Allele frequency attached by ClinVar (database versions not stated): gnomAD exomes below 0.00001.
gnomAD v4.1: 1 of 1,614,078 alleles (0.000062%); highest among the groups gnomAD compares: Non-Finnish European, 0.000085%; no homozygotes.

Submissions (2):

Labcorp Genetics (formerly Invitae), Labcorp
Classification: Uncertain significance for Familial cancer of breast. Last evaluated: 2024-03-18. Review status: criteria provided, single submitter. Criteria: Invitae Variant Classification Sherloc (09022015). Collection method: clinical testing. Allele origin: germline.
Comment: This sequence change replaces valine, which is neutral and non-polar, with isoleucine, which is neutral and non-polar, at codon 711 of the PALB2 protein (p.Val711Ile). This variant is not present in population databases (gnomAD no frequency). This variant has not been reported in the literature in individuals affected with PALB2-related conditions. ClinVar contains an entry for this variant (Variation ID: 460929). Advanced modeling of protein sequence and biophysical properties (such as structural, functional, and spatial information, amino acid conservation, physicochemical variation, residue mobility, and thermodynamic stability) performed at Invitae indicates that this missense variant is not expected to disrupt PALB2 protein function with a negative predictive value of 80%. In summary, the available evidence is currently insufficient to determine the role of this variant in disease. Therefore, it has been classified as a Variant of Uncertain Significance.

Ambry Genetics
Classification: Uncertain significance for Hereditary cancer-predisposing syndrome. Last evaluated: 2023-11-18. Review status: criteria provided, single submitter. Criteria: Ambry Variant Classification Scheme 2023. Collection method: clinical testing. Allele origin: germline.
Comment: The p.V711I variant (also known as c.2131G>A), located in coding exon 5 of the PALB2 gene, results from a G to A substitution at nucleotide position 2131. The valine at codon 711 is replaced by isoleucine, an amino acid with highly similar properties. This amino acid position is not well conserved in available vertebrate species. In addition, this alteration is predicted to be tolerated by in silico analysis. Since supporting evidence is limited at this time, the clinical significance of this alteration remains unclear.